The following is an entry in ClinVar:

ClinVar aggregate classification (germline): Uncertain significance (1 of 4 stars; one submission).

gnomAD v4.1: 2 of 1,612,720 alleles (0.00012%); highest among the groups gnomAD compares: Non-Finnish European, 0.00017%; no homozygotes.

Submission:

Ambry Genetics
Classification: Uncertain significance. Last evaluated: 2024-04-09. Review status: criteria provided, single submitter. Criteria: Ambry Variant Classification Scheme 2023. Collection method: clinical testing. Allele origin: germline.
Comment: The p.I45L variant (also known as c.133A>C), located in coding exon 2 of the FAM175A gene, results from an A to C substitution at nucleotide position 133. The isoleucine at codon 45 is replaced by leucine, an amino acid with highly similar properties. This amino acid position is conserved. In addition, the in silico prediction for this alteration is inconclusive. Based on the available evidence, the clinical significance of this variant remains unclear.

NM_139076.3(ABRAXAS1):c.133A>C (p.Ile45Leu)

Gene: ABRAXAS1 (abraxas 1, BRCA1 A complex subunit; minus strand). Cytogenetic location: 4q21.23.
Variant type: single nucleotide variant.
Coding change: c.133A>C on transcript NM_139076.3 (MANE Select); coding-DNA position 133, A replaced by C.
Protein change: p.Ile45Leu; replaces isoleucine 45 with leucine.
Molecular consequence: missense variant. On other transcripts: 5 prime UTR variant (1).
Genome position (GRCh38, 1-based): chr4:83,482,199, T>G on the plus strand (A>C on the coding strand, the complement: ABRAXAS1 is on the minus strand). VCF-style: chr4-83482199-T-G. GRCh37 (hg19) VCF-style: chr4-84403352-T-G.
Other names: c.-128A>C (NM_001345962.2); short protein forms I45L.
Identifiers: ClinVar variation 3333507 (VCV003333507.1).